The following is an entry in ClinVar:

ClinVar aggregate classification (germline): Likely benign. Review status: criteria provided, multiple submitters, no conflicts (2 of 4 stars). 3 submissions from 3 submitters: Likely benign (3). Last evaluated 2025-05-25.

Conditions:
CACNA1F-related disorder. Also called: CACNA1F-related condition.

Allele frequency attached by ClinVar (database versions not stated): gnomAD exomes 0.00001 and 0.00004; ExAC 0.00007; gnomAD 0.00016 and 0.00017; TOPMed 0.00024; ESP Exome Variant Server 0.00038.
gnomAD v4.1: 24 of 1,202,094 alleles (0.002%); highest among the groups gnomAD compares: African/African-American, 0.039%; no homozygotes.

Submissions (3):

Labcorp Genetics (formerly Invitae), Labcorp
Classification: Likely benign. Last evaluated: 2025-05-25. Review status: criteria provided, single submitter. Criteria: Invitae Variant Classification Sherloc (09022015). Collection method: clinical testing. Allele origin: germline.

PreventionGenetics, part of Exact Sciences
Classification: Likely benign for CACNA1F-related condition. Last evaluated: 2025-03-27. Review status: criteria provided, single submitter. Criteria: ACMG Guidelines, 2015. Collection method: clinical testing. Allele origin: germline.
Comment: This variant is classified as likely benign based on ACMG/AMP sequence variant interpretation guidelines (Richards et al. 2015 PMID: 25741868, with internal and published modifications).

Blueprint Genetics
Classification: Likely benign. Last evaluated: 2022-08-30. Review status: criteria provided, single submitter. Criteria: ACMG Guidelines, 2015. Collection method: clinical testing. Allele origin: germline.

NM_001256789.3(CACNA1F):c.4953+9A>G

Gene: CACNA1F (calcium voltage-gated channel subunit alpha1 F; minus strand). Cytogenetic location: Xp11.23.
Variant type: single nucleotide variant.
Coding change: c.4953+9A>G on transcript NM_001256789.3 (MANE Select); 9 bases into the intron after coding-DNA position 4953, A replaced by G.
Molecular consequence: intron variant.
Genome position (GRCh38, 1-based): chrX:49,209,253, T>C on the plus strand (A>G on the coding strand, the complement: CACNA1F is on the minus strand). VCF-style: chrX-49209253-T-C. GRCh37 (hg19) VCF-style: chrX-49065713-T-C.
Other names: c.4986+9A>G (NM_005183.4); c.4791+9A>G (NM_001256790.3).
Identifiers: ClinVar variation 752106 (VCV000752106.12), dbSNP rs370122978, ClinGen allele CA10410090.